The following is an entry in ClinVar:

ClinVar aggregate classification (germline): Uncertain significance (1 of 4 stars; one submission).

Conditions:
Hereditary antithrombin deficiency (AT3D). Also called: Antithrombin III deficiency; Thrombophilia due to antithrombin III deficiency; Antithrombin deficiency; Reduced antithrombin III activity. Identifiers: Orphanet 82, MedGen C0272375, MONDO:0013144, OMIM 613118, HP:0001976.

Submission:

Labcorp Genetics (formerly Invitae), Labcorp
Classification: Uncertain significance for Hereditary antithrombin deficiency. Last evaluated: 2025-11-30. Review status: criteria provided, single submitter. Criteria: Invitae Variant Classification Sherloc (09022015). Collection method: clinical testing. Allele origin: germline.
Comment: This sequence change replaces asparagine, which is neutral and polar, with isoleucine, which is neutral and non-polar, at codon 240 of the SERPINC1 protein (p.Asn240Ile). This variant is not present in population databases (gnomAD no frequency). This variant has not been reported in the literature in individuals affected with SERPINC1-related conditions. Invitae Evidence Modeling of protein sequence and biophysical properties (such as structural, functional, and spatial information, amino acid conservation, physicochemical variation, residue mobility, and thermodynamic stability) has been performed for this missense variant. However, the output from this modeling did not meet the statistical confidence thresholds required to predict the impact of this variant on SERPINC1 protein function. In summary, the available evidence is currently insufficient to determine the role of this variant in disease. Therefore, it has been classified as a Variant of Uncertain Significance.

NM_000488.4(SERPINC1):c.719A>T (p.Asn240Ile)

Gene: SERPINC1 (serpin family C member 1; minus strand). Cytogenetic location: 1q25.1.
Variant type: single nucleotide variant.
Coding change: c.719A>T on transcript NM_000488.4 (MANE Select); coding-DNA position 719, A replaced by T.
Protein change: p.Asn240Ile; replaces asparagine 240 with isoleucine.
Molecular consequence: missense variant.
Genome position (GRCh38, 1-based): chr1:173,910,797, T>A on the plus strand (A>T on the coding strand, the complement: SERPINC1 is on the minus strand). VCF-style: chr1-173910797-T-A. GRCh37 (hg19) VCF-style: chr1-173879935-T-A.
Other names: c.575A>T, p.Asn192Ile (NM_001365052.2); c.719A>T, p.Asn240Ile (NM_001386302.1, NM_001386304.1, NM_001386305.1); c.800A>T, p.Asn267Ile (NM_001386303.1); c.503A>T, p.Asn168Ile (NM_001386306.1); short protein forms N240I, N267I, N168I, N192I.
Identifiers: ClinVar variation 4747565 (VCV004747565.1).